The following is an entry in ClinVar:

NM_000531.6(OTC):c.146C>T (p.Thr49Ile)

Gene: OTC (ornithine transcarbamylase; plus strand). Cytogenetic location: Xp11.4.
Variant type: single nucleotide variant.
Coding change: c.146C>T on transcript NM_000531.6 (MANE Select); coding-DNA position 146, C replaced by T.
Protein change: p.Thr49Ile; replaces threonine 49 with isoleucine.
Molecular consequence: missense variant.
Genome position (GRCh38, 1-based): chrX:38,367,359, C>T. VCF-style: chrX-38367359-C-T. GRCh37 (hg19) VCF-style: chrX-38226612-C-T.
Other names: c.146C>T, p.Thr49Ile (NM_001407092.1); short protein forms T49I.
Identifiers: ClinVar variation 2721222 (VCV002721222.3), dbSNP rs2519950673, ClinGen allele CA412716108.

ClinVar aggregate classification (germline): Uncertain significance (1 of 4 stars; one submission).

Conditions:
Ornithine carbamoyltransferase deficiency (OTCD). Also called: Ornithine Carbamoyltransferase Deficiency Disease; ORNITHINE TRANSCARBAMYLASE DEFICIENCY; ORNITHINE TRANSCARBAMYLASE DEFICIENCY, HYPERAMMONEMIA DUE TO; OTC DEFICIENCY. Identifiers: Orphanet 664, MedGen C0268542, MONDO:0010703, OMIM 311250.

Submission:

Labcorp Genetics (formerly Invitae), Labcorp
Classification: Uncertain significance for Ornithine carbamoyltransferase deficiency. Last evaluated: 2023-05-25. Review status: criteria provided, single submitter. Criteria: Invitae Variant Classification Sherloc (09022015). Collection method: clinical testing. Allele origin: germline.
Comment: This sequence change replaces threonine, which is neutral and polar, with isoleucine, which is neutral and non-polar, at codon 49 of the OTC protein (p.Thr49Ile). This variant is not present in population databases (gnomAD no frequency). In summary, the available evidence is currently insufficient to determine the role of this variant in disease. Therefore, it has been classified as a Variant of Uncertain Significance. This variant disrupts the p.Thr49 amino acid residue in OTC. Other variant(s) that disrupt this residue have been observed in individuals with OTC-related conditions (PMID: 16786505), which suggests that this may be a clinically significant amino acid residue. Advanced modeling of protein sequence and biophysical properties (such as structural, functional, and spatial information, amino acid conservation, physicochemical variation, residue mobility, and thermodynamic stability) performed at Invitae indicates that this missense variant is expected to disrupt OTC protein function. This missense change has been observed in individual(s) with clinical features of ornithine transcarbamylase deficiency (Invitae).

Literature cited by the submitters: PubMed 16786505.